The following is an entry in ClinVar:

ClinVar aggregate classification (germline): Uncertain significance (1 of 4 stars; one submission).

Allele frequency attached by ClinVar (database versions not stated): gnomAD exomes below 0.00001; TOPMed 0.00002.
gnomAD v4.1: 5 of 1,613,944 alleles (0.00031%); highest among the groups gnomAD compares: Non-Finnish European, 0.00034%; no homozygotes.

Submission:

GeneDx
Classification: Uncertain significance. Last evaluated: 2025-08-21. Review status: criteria provided, single submitter. Criteria: GeneDx Variant Classification Process June 2021. Collection method: clinical testing. Allele origin: germline. Affected: yes.
Comment: In silico analysis supports a deleterious effect on splicing; Has not been previously published as pathogenic or benign to our knowledge

NM_001371623.1(TCOF1):c.2478+4A>G

Gene: TCOF1 (treacle ribosome biogenesis factor 1; plus strand). Cytogenetic location: 5q32.
Variant type: single nucleotide variant.
Coding change: c.2478+4A>G on transcript NM_001371623.1 (MANE Select); 4 bases into the intron after coding-DNA position 2478, A replaced by G.
Molecular consequence: intron variant.
Genome position (GRCh38, 1-based): chr5:150,379,046, A>G. VCF-style: chr5-150379046-A-G. GRCh37 (hg19) VCF-style: chr5-149758609-A-G.
Other names: c.2478+4A>G (NM_001135243.2, NM_001135244.2, NM_001195141.2 and 1 more transcripts); c.2247+4A>G (NM_001135245.2, NM_000356.4).
Identifiers: ClinVar variation 1305680 (VCV001305680.3), dbSNP rs1764431877, ClinGen allele CA1590919080.